The following is an entry in ClinVar:

ClinVar aggregate classification (germline): other (0 of 4 stars; one submission).

Conditions:
Familial colorectal cancer. Identifiers: MedGen CN280943, MONDO:0023113. Disease mechanism: loss of function.

Allele frequency attached by ClinVar (database versions not stated): TOPMed 0.98038; gnomAD 0.98091 and 0.98228; 1000 Genomes Project 30x 0.98126; 1000 Genomes Project 0.98283.
gnomAD v4.1: 149,671 of 152,332 alleles (98%); highest among the groups gnomAD compares: Middle Eastern, 100%; 73,589 homozygotes.

Submission:

Systems Biology Platform Zhejiang California International NanoSystems Institute
Classification: other for Familial colorectal cancer. Review status: no assertion criteria provided. Collection method: not provided. Allele origin: unknown.
ClinVar note: Converted during submission from cancer to other.

NM_000038.6(APC):c.135+3233A>G

Gene: APC (APC regulator of WNT signaling pathway; plus strand). Cytogenetic location: 5q22.2.
Variant type: single nucleotide variant.
Coding change: c.135+3233A>G on transcript NM_000038.6 (MANE Select); 3233 bases into the intron after coding-DNA position 135, A replaced by G.
Molecular consequence: intron variant.
Genome position (GRCh38, 1-based): chr5:112,758,258, A>G. VCF-style: chr5-112758258-A-G. GRCh37 (hg19) VCF-style: chr5-112093955-A-G.
Other names: c.135+3233A>G (NM_001354895.2, NM_001127510.3, NM_001354896.2 and 2 more transcripts); c.166-8068A>G (NM_001354897.2, NM_001354902.2, NM_001127511.3); c.61-8068A>G (NM_001354898.2, NM_001354904.2); c.-901+3233A>G (NM_001354906.2); c.-42-8068A>G (NM_001354900.2, NM_001354901.2, NM_001354905.2).
Identifiers: ClinVar variation 88625 (VCV000088625.2), dbSNP rs369952, ClinGen allele CA004284.
Genomic context (GRCh38, chr5:112,758,258, plus strand): 5'-TTTAGATGATATGAAATCAGATAAATGCAGAATTATAGCTAATCTTAAAAAAAGTTGTGT[A>G]GTGTATTTTTTACTCCATGGCTAGAGCCCTCCCCCCAACTTGTTTTTTTTGTTTGTTTGT-3'